The following is an entry in ClinVar:

NM_001367561.1(DOCK7):c.2531_2532delinsGC (p.Leu844Arg)

Gene: DOCK7 (dedicator of cytokinesis 7; minus strand). Cytogenetic location: 1p31.3.
Variant type: Indel.
Coding change: c.2531_2532delinsGC on transcript NM_001367561.1 (MANE Select); coding-DNA positions 2531 to 2532, TT replaced by GC.
Protein change: p.Leu844Arg; replaces leucine 844 with arginine.
Molecular consequence: missense variant.
Genome position (GRCh38, 1-based): chr1:62,555,889-62,555,890, AA replaced by GC on the plus strand (TT replaced by GC on the coding strand, the reverse complement: DOCK7 is on the minus strand). VCF-style: chr1-62555889-AA-GC. GRCh37 (hg19) VCF-style: chr1-63021560-AA-GC.
Other names: c.2531_2532delinsGC (NM_001271999.1); c.2531_2532delinsGC, p.Leu844Arg (NM_001271999.2, NM_001272000.2, NM_001272001.2 and 2 more transcripts); short protein forms L844R.
Identifiers: ClinVar variation 1056756 (VCV001056756.9), dbSNP rs2149432744, ClinGen allele CA2499214826.
Genomic context (GRCh38, chr1:62,555,889, plus strand): 5'-TGATGATGAATTAGGGTAAGTATTTGGTAGGCGGAAAACATAATGAATATATGATGCAAG[AA>GC]GGCTGTTTCTGCCATGCTGGTCATGATTTCCTTCCAAGTTTTTGTGAAGTCGATTTATAA-3'
Protein context (NP_001354490.1, residues 834-854): GNHDQHGRNS[Leu844Arg]LASYIHYVFR

ClinVar aggregate classification (germline): Uncertain significance. Review status: criteria provided, multiple submitters, no conflicts (2 of 4 stars). 2 submissions from 2 submitters: Uncertain significance (2). Last evaluated 2024-10-15.

Conditions:
Developmental and epileptic encephalopathy, 23 (DEE23). Also called: Epileptic encephalopathy, early infantile, 23. Identifiers: Orphanet 411986, MedGen C4014492, MONDO:0014371, OMIM 615859.

Submissions (2):

GeneDx
Classification: Uncertain significance. Last evaluated: 2024-10-15. Review status: criteria provided, single submitter. Criteria: GeneDx Variant Classification Process June 2021. Collection method: clinical testing. Allele origin: germline. Affected: yes.
Comment: Not observed at significant frequency in large population cohorts (gnomAD); In silico analysis supports a deleterious effect on protein structure/function; Has not been previously published as pathogenic or benign to our knowledge

Labcorp Genetics (formerly Invitae), Labcorp
Classification: Uncertain significance for Developmental and epileptic encephalopathy, 23. Last evaluated: 2024-06-03. Review status: criteria provided, single submitter. Criteria: Invitae Variant Classification Sherloc (09022015). Collection method: clinical testing. Allele origin: germline.
Comment: This sequence change replaces leucine, which is neutral and non-polar, with arginine, which is basic and polar, at codon 844 of the DOCK7 protein (p.Leu844Arg). This variant is present in population databases (no rsID available, gnomAD 0.007%). This variant has not been reported in the literature in individuals affected with DOCK7-related conditions. ClinVar contains an entry for this variant (Variation ID: 1056756). An algorithm developed to predict the effect of missense changes on protein structure and function (PolyPhen-2) suggests that this variant is likely to be disruptive. In summary, the available evidence is currently insufficient to determine the role of this variant in disease. Therefore, it has been classified as a Variant of Uncertain Significance.